The following is an entry in ClinVar:

ClinVar aggregate classification (germline): Pathogenic (1 of 4 stars; one submission).

Conditions:
Hermansky-Pudlak syndrome 9 (HPS9). Identifiers: Orphanet 280663, Orphanet 79430, MedGen C3280026, MONDO:0013606, OMIM 614171.

gnomAD v4.1: 2 of 1,613,646 alleles (0.00012%); highest among the groups gnomAD compares: Non-Finnish European, 0.00017%; no homozygotes.

Submission:

Laboratory of Genetic Epidemiology, Research Centre for Medical Genetics
Classification: Pathogenic for Hermansky-Pudlak syndrome 9. Last evaluated: 2025-01-01. Review status: criteria provided, single submitter. Criteria: ACMG Guidelines, 2015. Collection method: clinical testing. Allele origin: biparental. Inheritance: Autosomal recessive inheritance. Affected: yes. Observed: 1 homozygote.
Comment: The variants is not listed in gnomAD v3.1.2. The variant leads to affect splicing site (donor loss with score 0.51 and acceptor loss with 0.83 by SpliceAi predictor). Taken together, the variant meets the following ACMG/AMP criteria and can be classified as pathogenic with PM2, PVS1, PM3, PP4 criteria.

Literature cited by the submitters: PubMed 41428507.

NM_012388.4(BLOC1S6):c.224+1G>A

Gene: BLOC1S6 (biogenesis of lysosomal organelles complex 1 subunit 6; plus strand). Cytogenetic location: 15q21.1.
Variant type: single nucleotide variant.
Coding change: c.224+1G>A on transcript NM_012388.4 (MANE Select); the canonical splice donor site of the intron after coding-DNA position 224, G replaced by A.
Molecular consequence: splice donor variant.
Genome position (GRCh38, 1-based): chr15:45,592,277, G>A. VCF-style: chr15-45592277-G-A. GRCh37 (hg19) VCF-style: chr15-45884475-G-A.
Other names: c.239+1G>A (NM_001311255.1, NM_001311256.1).
Identifiers: ClinVar variation 4077108 (VCV004077108.1).